The following is an entry in ClinVar:

NM_001035.3(RYR2):c.94C>A (p.Gln32Lys)

Gene: RYR2 (ryanodine receptor 2; plus strand). Cytogenetic location: 1q43.
Variant type: single nucleotide variant.
Coding change: c.94C>A on transcript NM_001035.3 (MANE Select); coding-DNA position 94, C replaced by A.
Protein change: p.Gln32Lys; replaces glutamine 32 with lysine.
Molecular consequence: missense variant.
Genome position (GRCh38, 1-based): chr1:237,270,542, C>A. VCF-style: chr1-237270542-C-A. GRCh37 (hg19) VCF-style: chr1-237433842-C-A.
Other names: c.94C>A, p.Gln32Lys (LRG_402t1); short protein forms Q32K.
Identifiers: ClinVar variation 532378 (VCV000532378.17), dbSNP rs1553373926, ClinGen allele CA345654356.
Genomic context (GRCh38, chr1:237,270,542, plus strand): 5'-TCTCCCCCTTTGCAGGATGATGAAGTGGTTCTGCAGTGCACCGCAACCATCCACAAAGAA[C>A]AACAGAAGCTATGCTTGGCAGCAGAAGGATTTGGCAACAGACTTTGTTTCTTGGAGTCCA-3'
Protein context (NP_001026.2, residues 22-42): LQCTATIHKE[Gln32Lys]QKLCLAAEGF

ClinVar aggregate classification (germline): Conflicting classifications of pathogenicity. Review status: criteria provided, conflicting classifications (1 of 4 stars). 4 submissions from 4 submitters: Likely pathogenic (1); Uncertain significance (3). Last evaluated 2025-01-08.

Conditions:
Catecholaminergic polymorphic ventricular tachycardia 1. Also called: VENTRICULAR TACHYCARDIA, CATECHOLAMINERGIC POLYMORPHIC, 1, WITH OR WITHOUT ATRIAL DYSFUNCTION AND/OR DILATED CARDIOMYOPATHY; RYR2-Related Catecholaminergic Polymorphic Ventricular Tachycardia; VENTRICULAR TACHYCARDIA, STRESS-INDUCED POLYMORPHIC 1. Identifiers: Orphanet 3286, MedGen C1631597, MONDO:0011484, OMIM 604772.
Cardiovascular phenotype. Identifiers: MedGen CN230736.

Submissions (4):

Molecular Genetics Laboratory, Motol Hospital
Classification: Likely pathogenic for Catecholaminergic polymorphic ventricular tachycardia 1. Last evaluated: 2025-01-08. Review status: criteria provided, single submitter. Criteria: ACMG Guidelines, 2015. Collection method: clinical testing. Allele origin: germline. Affected: yes. Observed: 1 variant allele.
Comment: missense mutation is a common mechanism of a disease (PP2), rare variant not present in general population in gnomAD v4.1.0 (PM2), de novo origin (PS2); ACMG PS2, PM2, PP2

Labcorp Genetics (formerly Invitae), Labcorp
Classification: Uncertain significance for Catecholaminergic polymorphic ventricular tachycardia 1. Last evaluated: 2019-12-11. Review status: criteria provided, single submitter. Criteria: Invitae Variant Classification Sherloc (09022015). Collection method: clinical testing. Allele origin: germline.
Comment: In summary, the available evidence is currently insufficient to determine the role of this variant in disease. Therefore, it has been classified as a Variant of Uncertain Significance. Algorithms developed to predict the effect of missense changes on protein structure and function are either unavailable or do not agree on the potential impact of this missense change (SIFT: "Tolerated"; PolyPhen-2: "Possibly Damaging"; Align-GVGD: "Class C0"). This variant has been observed in individual(s) with catecholaminergic polymorphic ventricular tachycardia (PMID: 28237968). ClinVar contains an entry for this variant (Variation ID: 532378). This variant is not present in population databases (ExAC no frequency). This sequence change replaces glutamine with lysine at codon 32 of the RYR2 protein (p.Gln32Lys). The glutamine residue is moderately conserved and there is a small physicochemical difference between glutamine and lysine.

MVZ Martinsried, Medicover Genetics
Classification: Uncertain significance for Catecholaminergic polymorphic ventricular tachycardia 1. Last evaluated: 2019-07-26. Review status: criteria provided, single submitter. Criteria: ACMG Guidelines, 2015. Collection method: clinical testing. Allele origin: unknown. Affected: yes.

Ambry Genetics
Classification: Uncertain significance for Cardiovascular phenotype. Last evaluated: 2019-01-16. Review status: criteria provided, single submitter. Criteria: Ambry Variant Classification Scheme 2023. Collection method: clinical testing. Allele origin: germline.
Comment: The p.Q32K variant (also known as c.94C>A), located in coding exon 2 of the RYR2 gene, results from a C to A substitution at nucleotide position 94. The glutamine at codon 32 is replaced by lysine, an amino acid with similar properties. This amino acid position is well conserved in available vertebrate species. In addition, the in silico prediction for this alteration is inconclusive. Since supporting evidence is limited at this time, the clinical significance of this alteration remains unclear.

Literature cited by the submitters: PubMed 28237968 (cited by Labcorp Genetics (formerly Invitae), Labcorp).